The following is an entry in ClinVar:

NM_020461.4(TUBGCP6):c.4372C>G (p.Pro1458Ala)

Gene: TUBGCP6 (tubulin gamma complex component 6; minus strand). Cytogenetic location: 22q13.33.
Variant type: single nucleotide variant.
Coding change: c.4372C>G on transcript NM_020461.4 (MANE Select); coding-DNA position 4372, C replaced by G.
Protein change: p.Pro1458Ala; replaces proline 1458 with alanine.
Molecular consequence: missense variant.
Genome position (GRCh38, 1-based): chr22:50,219,400, G>C on the plus strand (C>G on the coding strand, the complement: TUBGCP6 is on the minus strand). VCF-style: chr22-50219400-G-C. GRCh37 (hg19) VCF-style: chr22-50657829-G-C.
Other names: short protein forms P1458A.
Identifiers: ClinVar variation 1501431 (VCV001501431.4), dbSNP rs2064476266, ClinGen allele CA412172290.

ClinVar aggregate classification (germline): Uncertain significance (1 of 4 stars; one submission).

Allele frequency attached by ClinVar (database versions not stated): TOPMed 0.00001.
gnomAD v4.1: 12 of 1,572,362 alleles (0.00076%); highest among the groups gnomAD compares: Admixed American, 0.0019%; no homozygotes.

Submission:

Labcorp Genetics (formerly Invitae), Labcorp
Classification: Uncertain significance. Last evaluated: 2021-08-12. Review status: criteria provided, single submitter. Criteria: Invitae Variant Classification Sherloc (09022015). Collection method: clinical testing. Allele origin: germline.
Comment: This sequence change replaces proline with alanine at codon 1458 of the TUBGCP6 protein (p.Pro1458Ala). The proline residue is moderately conserved and there is a small physicochemical difference between proline and alanine. This variant is not present in population databases (ExAC no frequency). This variant has not been reported in the literature in individuals affected with TUBGCP6-related conditions. Algorithms developed to predict the effect of missense changes on protein structure and function are either unavailable or do not agree on the potential impact of this missense change (SIFT: "Tolerated"; PolyPhen-2: "Probably Damaging"; Align-GVGD: "Class C0"). In summary, the available evidence is currently insufficient to determine the role of this variant in disease. Therefore, it has been classified as a Variant of Uncertain Significance.